The following is an entry in ClinVar:

NM_005120.3(MED12):c.6397_6408delTCCCAGCCCCAG (p.Ser2133_Gln2136del)

Gene: MED12 (mediator complex subunit 12; plus strand). Cytogenetic location: Xq13.1.
Variant type: Deletion.
Coding change: c.6397_6408delTCCCAGCCCCAG on transcript NM_005120.3 (MANE Select); coding-DNA positions 6397 to 6408, 12 bases deleted (TCCCAGCCCCAG).
Protein change: p.Ser2133_Gln2136del.
Molecular consequence: inframe deletion.
Genome position (GRCh38, 1-based): chrX:71,141,359-71,141,370, TCCCAGCCCCAG deleted; deleting any 12 consecutive bases within chrX:71,141,348-71,141,370 gives the same sequence; the c. name uses the placement nearest the transcript's 3' end. VCF-style (leftmost placement, unchanged base first): chrX-71141347-CCCCAGCCCCAGT-C. GRCh37 (hg19) VCF-style: chrX-70361197-CCCCAGCCCCAGT-C.
Other names: c.6397_6408del12 (NM_005120.2, NM_005120.3); c.6397_6408del (NM_005120.3).
Identifiers: ClinVar variation 1979426 (VCV001979426.8), dbSNP rs2092347427, ClinGen allele CA2436359036.
Genomic context (GRCh38, chrX:71,141,347, plus strand): 5'-CAGCAACAGCAACAACAGCAACACCAGCAGCAACAGCAGCAACAGGCGGCTCCTCCCCAA[CCCCAGCCCCAGT>C]CCCAGCCCCAGGTAGCTGCTGGACTACAGCCCCAGGCTCAGGGACAGCTGCCCAGGTTGG-3'

ClinVar aggregate classification (germline): Uncertain significance. Review status: criteria provided, multiple submitters, no conflicts (2 of 4 stars). 4 submissions from 4 submitters: Uncertain significance (4). Last evaluated 2026-07-01.

Conditions:
FG syndrome (FGS). Identifiers: MedGen C0220769, MONDO:0002010.
X-linked intellectual disability with marfanoid habitus. Also called: Lujan Syndrome; X-linked mental retardation with marfanoid habitus syndrome; Lujan Syndrome (LS); INTELLECTUAL DEVELOPMENTAL DISORDER, X-LINKED, SYNDROMIC, LUJAN-FRYNS TYPE. Identifiers: Orphanet 776, MedGen C0796022, MONDO:0010655, OMIM 309520.
Cholestasis-pigmentary retinopathy-cleft palate syndrome (HDKR). Also called: Hardikar Syndrome (HS). Identifiers: Orphanet 1415, MedGen C0795969, MeSH C535632, MONDO:0012997, OMIM 301068.
Blepharophimosis - intellectual disability syndrome, MKB type. Also called: BLEPHAROPHIMOSIS-MENTAL RETARDATION SYNDROME, MAAT-KIEVIT-BRUNNER TYPE; X-Linked Ohdo Syndrome (XLOS); Ohdo syndrome, X-linked. Identifiers: Orphanet 293707, MedGen C3698541, MONDO:0010477, OMIM 300895.
FG syndrome 1 (OKS). Also called: OPITZ-KAVEGGIA SYNDROME; KELLER SYNDROME; MENTAL RETARDATION, LARGE HEAD, IMPERFORATE ANUS, CONGENITAL HYPOTONIA, AND PARTIAL AGENESIS OF CORPUS CALLOSUM; FG Syndrome Type 1 (FGS1). Identifiers: Orphanet 93932, MedGen C5399762, MONDO:0010590, OMIM 305450.
Familial thoracic aortic aneurysm and aortic dissection (TAAD). Also called: Thoracic aortic aneurysms and dissections. Identifiers: Orphanet 91387, MedGen C4707243, MONDO:0019625.

Submissions (4):

Ambry Genetics
Classification: Uncertain significance for Familial thoracic aortic aneurysm and aortic dissection. Last evaluated: 2026-07-01. Review status: criteria provided, single submitter. Criteria: Ambry Variant Classification Scheme 2023. Collection method: clinical testing. Allele origin: germline.
Comment: The c.6397_6408del12 variant (also known as p.S2133_Q2136del) is located in coding exon 43 of the MED12 gene. This variant results from an in-frame TCCCAGCCCCAG deletion at nucleotide positions 6397 to 6408. This results in the in-frame deletion 4 amino acids (SQPQ) at codons 2133 to 2136. This amino acid region is well conserved in available vertebrate species. In addition, the in silico prediction for this variant is inconclusive (Choi Y et al. PLoS ONE. 2012; 7(10):e46688). Based on the available evidence, the clinical significance of this variant remains unclear.

Labcorp Genetics (formerly Invitae), Labcorp
Classification: Uncertain significance for FG syndrome. Last evaluated: 2025-10-13. Review status: criteria provided, single submitter. Criteria: Invitae Variant Classification Sherloc (09022015). Collection method: clinical testing. Allele origin: germline.
Comment: This variant, c.6397_6408del, results in the deletion of 4 amino acid(s) of the MED12 protein (p.Ser2133_Gln2136del), but otherwise preserves the integrity of the reading frame. This variant is not present in population databases (gnomAD no frequency). This variant has not been reported in the literature in individuals affected with MED12-related conditions. ClinVar contains an entry for this variant (Variation ID: 1979426). In summary, the available evidence is currently insufficient to determine the role of this variant in disease. Therefore, it has been classified as a Variant of Uncertain Significance.

Women's Health and Genetics/Laboratory Corporation of America, LabCorp
Classification: Uncertain significance. Last evaluated: 2024-02-29. Review status: criteria provided, single submitter. Criteria: LabCorp Variant Classification Summary - May 2015. Collection method: clinical testing. Allele origin: germline.
Comment: Variant summary: MED12 c.6397_6408del12 (p.Ser2133_Gln2136del) results in an in-frame deletion that is predicted to remove four amino acids from the encoded protein. Although it is located near a splice site, consensus agreement among computation tools predict no significant impact on normal splicing. However, these predictions have yet to be confirmed by functional studies. The variant was absent in 112241 control chromosomes (gnomAD). The available data on variant occurrences in the general population are insufficient to allow any conclusion about variant significance. To our knowledge, no occurrence of c.6397_6408del12 in individuals affected with MED12-Related Disorders and no experimental evidence demonstrating its impact on protein function have been reported. ClinVar contains an entry for this variant (Variation ID: 1979426). Based on the evidence outlined above, the variant was classified as uncertain significance.

Fulgent Genetics
Classification: Uncertain significance for Blepharophimosis - intellectual disability syndrome, MKB type; Cholestasis-pigmentary retinopathy-cleft palate syndrome; FG syndrome 1; X-linked intellectual disability with marfanoid habitus. Last evaluated: 2024-02-16. Review status: criteria provided, single submitter. Criteria: ACMG Guidelines, 2015. Collection method: clinical testing. Allele origin: germline.